The following is an entry in ClinVar:

ClinVar aggregate classification (germline): Uncertain significance (1 of 4 stars; one submission).

Submission:

GeneDx
Classification: Uncertain significance. Last evaluated: 2025-03-14. Review status: criteria provided, single submitter. Criteria: GeneDx Variant Classification Process June 2021. Collection method: clinical testing. Allele origin: germline. Affected: yes.
Comment: Not observed at significant frequency in large population cohorts (gnomAD); In silico analysis supports that this missense variant has a deleterious effect on protein structure/function; Has not been previously published as pathogenic or benign to our knowledge

NM_001162501.2(TNRC6B):c.3206T>C (p.Met1069Thr)

Gene: TNRC6B (trinucleotide repeat containing adaptor 6B; plus strand). Cytogenetic location: 22q13.1.
Variant type: single nucleotide variant.
Coding change: c.3206T>C on transcript NM_001162501.2 (MANE Select); coding-DNA position 3206, T replaced by C.
Protein change: p.Met1069Thr; replaces methionine 1069 with threonine.
Molecular consequence: missense variant.
Genome position (GRCh38, 1-based): chr22:40,277,141, T>C. VCF-style: chr22-40277141-T-C. GRCh37 (hg19) VCF-style: chr22-40673145-T-C.
Other names: c.3047T>C, p.Met1016Thr (NM_015088.3); c.965T>C, p.Met322Thr (NM_001024843.2); short protein forms M1016T, M1069T, M322T.
Identifiers: ClinVar variation 4083293 (VCV004083293.1).